The following is an entry in ClinVar:

ClinVar aggregate classification (germline): Likely pathogenic. Review status: reviewed by expert panel (3 of 4 stars). 2 submissions from 2 submitters: Likely pathogenic (1). 1 of the submissions does not count toward it. Last evaluated 2026-01-22.

Conditions:
Monogenic diabetes. Identifiers: Orphanet 183625, MedGen C3888631, MONDO:0015967.
Maturity-onset diabetes of the young type 3. Also called: MODY, type III; MODY type 3. Identifiers: Orphanet 552, MedGen C1838100, MeSH C563933, MONDO:0010894, OMIM 600496. Disease mechanism: loss of function.

Submissions (2):

ClinGen Monogenic Diabetes Variant Curation Expert Panel
Classification: Likely pathogenic for Monogenic diabetes. Last evaluated: 2026-01-22. Review status: reviewed by expert panel. Criteria: ClinGen Diabetes ACMG Specifications HNF1A V3.1.0. Collection method: curation. Allele origin: germline. Inheritance: Autosomal dominant inheritance.
Comment: The c.587_590del variant in the HNF1 homeobox A gene, HNF1A, causes a frameshift in the protein at codon 196 (NM_000545.8), adding 36 novel amino acids before encountering a stop codon (p.(Thr196ArgfsTer36)). This variant, located in biologically-relevant exon 3 of 10, is predicted to lead to nonsense mediated decay in a gene in which loss-of-function is an established disease mechanism (PVS1; PMID: 23348805). This variant is absent from gnomAD v4.1.0 (PM2_Supporting). This variant was identified in an individual with diabetes; however, the MODY probability is unable to be calculated due to lack of HbA1c clinical information (PMID: 12574234, internal lab contributors). In summary, c.587_590del meets the criteria to be classified as likely pathogenic for monogenic diabetes. ACMG/AMP criteria applied, as specified by the ClinGen MDEP VCEP (specification version 3.1.0, approved 10/10/2025): PVS1, PM2_Supporting.

OMIM
Classification: Pathogenic for MATURITY-ONSET DIABETES OF THE YOUNG, TYPE 3. Last evaluated: 2003-02-01. Review status: no assertion criteria provided. Collection method: literature only. Allele origin: germline. Not counted in ClinVar's aggregate classification.

Literature cited by the submitters: PubMed 12574234 (cited by ClinGen Monogenic Diabetes Variant Curation Expert Panel and OMIM); PubMed 23348805 (cited by ClinGen Monogenic Diabetes Variant Curation Expert Panel).

NM_000545.8(HNF1A):c.587_590del (p.Thr196fs)

Gene: HNF1A (HNF1 homeobox A; plus strand). Cytogenetic location: 12q24.31.
Variant type: Microsatellite.
Coding change: c.587_590del on transcript NM_000545.8 (MANE Select); coding-DNA positions 587 to 590, 4 bases deleted (CCAA; older notation c.587_590delCCAA).
Protein change: p.Thr196fs; shifts the reading frame from threonine 196.
Molecular consequence: frameshift variant.
Genome position (GRCh38, 1-based): chr12:120,993,580-120,993,583, CCAA deleted; deleting any 4 consecutive bases within chr12:120,993,575-120,993,583 gives the same sequence; the c. name uses the placement nearest the transcript's 3' end. VCF-style (leftmost placement, unchanged base first): chr12-120993574-TACCA-T. GRCh37 (hg19) VCF-style: chr12-121431377-TACCA-T.
Other names: NM_001306179.2:c.587_590del; c.587_590del, p.Thr196fs (NM_001306179.2); short protein forms T196fs.
Identifiers: ClinVar variation 14944 (VCV000014944.3), dbSNP rs2135839114, ClinGen allele CA2573051298.
Genomic context (GRCh38, chr12:120,993,574, plus strand): 5'-CTGCAGAGTTCACCCATGCAGGGCAGGGAGGGCTGATTGAAGAGCCCACAGGTGATGAGC[TACCA>T]ACCAAGAAGGGGCGGAGGAACCGTTTCAAGTGGGGCCCAGCATCCCAGCAGATCCTGTTC-3'